The following is an entry in ClinVar:

ClinVar aggregate classification (germline): Uncertain significance (1 of 4 stars; one submission).

Conditions:
Hajdu-Cheney syndrome (HJCYS). Also called: Acroosteolysis dominant type; SERPENTINE FIBULA-POLYCYSTIC KIDNEY SYNDROME; ACROOSTEOLYSIS WITH OSTEOPOROSIS AND CHANGES IN SKULL AND MANDIBLE. Identifiers: Orphanet 955, MedGen C0917715, MONDO:0007057, OMIM 102500.

Allele frequency attached by ClinVar (database versions not stated): gnomAD exomes 0.00001 and 0.00002; gnomAD 0.00002; TOPMed 0.00002.
gnomAD v4.1: 14 of 1,613,388 alleles (0.00087%); highest among the groups gnomAD compares: African/African-American, 0.0013%; no homozygotes.

Submission:

Labcorp Genetics (formerly Invitae), Labcorp
Classification: Uncertain significance for Hajdu-Cheney syndrome. Last evaluated: 2025-07-13. Review status: criteria provided, single submitter. Criteria: Invitae Variant Classification Sherloc (09022015). Collection method: clinical testing. Allele origin: germline.
Comment: This sequence change replaces arginine, which is basic and polar, with cysteine, which is neutral and slightly polar, at codon 1365 of the NOTCH2 protein (p.Arg1365Cys). This variant is present in population databases (no rsID available, gnomAD 0.005%). This variant has not been reported in the literature in individuals affected with NOTCH2-related conditions. ClinVar contains an entry for this variant (Variation ID: 1473083). Invitae Evidence Modeling of protein sequence and biophysical properties (such as structural, functional, and spatial information, amino acid conservation, physicochemical variation, residue mobility, and thermodynamic stability) indicates that this missense variant is not expected to disrupt NOTCH2 protein function with a negative predictive value of 80%. In summary, the available evidence is currently insufficient to determine the role of this variant in disease. Therefore, it has been classified as a Variant of Uncertain Significance.

NM_024408.4(NOTCH2):c.4093C>T (p.Arg1365Cys)

Gene: NOTCH2 (notch receptor 2; minus strand). Cytogenetic location: 1p12.
Variant type: single nucleotide variant.
Coding change: c.4093C>T on transcript NM_024408.4 (MANE Select); coding-DNA position 4093, C replaced by T.
Protein change: p.Arg1365Cys; replaces arginine 1365 with cysteine.
Molecular consequence: missense variant.
Genome position (GRCh38, 1-based): chr1:119,925,723, G>A on the plus strand (C>T on the coding strand, the complement: NOTCH2 is on the minus strand). VCF-style: chr1-119925723-G-A. GRCh37 (hg19) VCF-style: chr1-120468346-G-A.
Other names: short protein forms R1365C.
Identifiers: ClinVar variation 1473083 (VCV001473083.8), dbSNP rs987757552, ClinGen allele CA30319301.